The following is an entry in ClinVar:

ClinVar aggregate classification (germline): Uncertain significance (1 of 4 stars; one submission).

Conditions:
Charcot-Marie-Tooth disease type 4. Also called: Charcot-Marie-Tooth disease, type IV; Charcot-Marie-Tooth, Type 4. Identifiers: Orphanet 64749, MedGen C4082197, MONDO:0018995.

Submission:

Labcorp Genetics (formerly Invitae), Labcorp
Classification: Uncertain significance for Charcot-Marie-Tooth disease type 4. Last evaluated: 2022-12-02. Review status: criteria provided, single submitter. Criteria: Invitae Variant Classification Sherloc (09022015). Collection method: clinical testing. Allele origin: germline.
Comment: This variant is not present in population databases (gnomAD no frequency). This missense change has been observed in individual(s) with clinical features of Charcot-Marie-Tooth disease (Invitae). In at least one individual the data is consistent with being in trans (on the opposite chromosome) from a pathogenic variant. ClinVar contains an entry for this variant (Variation ID: 1357215). Algorithms developed to predict the effect of missense changes on protein structure and function (SIFT, PolyPhen-2, Align-GVGD) all suggest that this variant is likely to be disruptive. In summary, the available evidence is currently insufficient to determine the role of this variant in disease. Therefore, it has been classified as a Variant of Uncertain Significance. This sequence change replaces lysine, which is basic and polar, with glutamic acid, which is acidic and polar, at codon 543 of the SH3TC2 protein (p.Lys543Glu).

NM_024577.4(SH3TC2):c.1627A>G (p.Lys543Glu)

Gene: SH3TC2 (SH3 domain and tetratricopeptide repeats 2; minus strand). Cytogenetic location: 5q32.
Variant type: single nucleotide variant.
Coding change: c.1627A>G on transcript NM_024577.4 (MANE Select); coding-DNA position 1627, A replaced by G.
Protein change: p.Lys543Glu; replaces lysine 543 with glutamic acid.
Molecular consequence: missense variant.
Genome position (GRCh38, 1-based): chr5:149,028,105, T>C on the plus strand (A>G on the coding strand, the complement: SH3TC2 is on the minus strand). VCF-style: chr5-149028105-T-C. GRCh37 (hg19) VCF-style: chr5-148407668-T-C.
Other names: short protein forms K543E.
Identifiers: ClinVar variation 1357215 (VCV001357215.8), dbSNP rs2127397529, ClinGen allele CA361668113.